The following is an entry in ClinVar:

NM_001928.4(CFD):c.213-9G>C

Gene: CFD (complement factor D; plus strand). Cytogenetic location: 19p13.3.
Variant type: single nucleotide variant.
Coding change: c.213-9G>C on transcript NM_001928.4 (MANE Select); 9 bases into the intron before coding-DNA position 213, G replaced by C.
Molecular consequence: intron variant.
Genome position (GRCh38, 1-based): chr19:860,852, G>C. VCF-style: chr19-860852-G-C. GRCh37 (hg19) VCF-style: chr19-860852-G-C.
Other names: p.?; c.234-9G>C (NM_001317335.2).
Identifiers: ClinVar variation 402532 (VCV000402532.22), dbSNP rs1629038, ClinGen allele CA9026268.

ClinVar aggregate classification (germline): Benign/Likely benign. Review status: criteria provided, multiple submitters, no conflicts (2 of 4 stars). 8 submissions from 8 submitters: Benign (5); Likely benign (1). 2 of the submissions do not count toward it. Last evaluated 2026-02-04.

Allele frequency attached by ClinVar (database versions not stated): 1000 Genomes Project 0.44089; 1000 Genomes Project 30x 0.44238; TOPMed 0.49345; gnomAD 0.50873 and 0.51106; gnomAD exomes 0.51850; ESP Exome Variant Server 0.54052; ExAC 0.59138.
gnomAD v4.1: 876,139 of 1,563,062 alleles (56%); highest among the groups gnomAD compares: Non-Finnish European, 58%; 250,097 homozygotes.

Submissions (8):

Labcorp Genetics (formerly Invitae), Labcorp
Classification: Benign. Last evaluated: 2026-02-04. Review status: criteria provided, single submitter. Criteria: Invitae Variant Classification Sherloc (09022015). Collection method: clinical testing. Allele origin: germline.

Women's Health and Genetics/Laboratory Corporation of America, LabCorp
Classification: Benign. Last evaluated: 2026-01-21. Review status: criteria provided, single submitter. Criteria: LabCorp Variant Classification Summary - May 2015. Collection method: clinical testing. Allele origin: germline.

Blueprint Genetics
Classification: Likely benign. Last evaluated: 2024-11-28. Review status: criteria provided, single submitter. Criteria: ACMG Guidelines, 2015. Collection method: clinical testing. Allele origin: germline.

Mayo Clinic Laboratories, Mayo Clinic
Classification: Benign. Last evaluated: 2018-03-16. Review status: criteria provided, single submitter. Criteria: ACMG Guidelines, 2015. Collection method: clinical testing. Allele origin: germline. Observed: 887 variant alleles.

Laboratory for Molecular Medicine, Mass General Brigham Personalized Medicine
Classification: Benign. Last evaluated: 2016-03-28. Review status: criteria provided, single submitter. Criteria: LMM Criteria. Collection method: clinical testing. Allele origin: germline.
Comment: Variant identified in a genome or exome case(s) and assessed due to predicted null impact of the variant or pathogenic assertions in the literature or databases. Disclaimer: This variant has not undergone full assessment. The following are preliminary notes: Frequency

Breakthrough Genomics
Classification: Benign. Review status: criteria provided, single submitter. Criteria: ACMG Guidelines, 2015. Collection method: not provided. Allele origin: germline. Inheritance: Autosomal recessive inheritance. Affected: yes.

Diagnostic Laboratory, Department of Genetics, University Medical Center Groningen
Classification: Benign. Review status: no assertion criteria provided. Collection method: clinical testing. Allele origin: germline. Affected: yes. Study: VKGL Data-share Consensus. Not counted in ClinVar's aggregate classification.

Joint Genome Diagnostic Labs from Nijmegen and Maastricht, Radboudumc and MUMC+
Classification: Benign. Review status: no assertion criteria provided. Collection method: clinical testing. Allele origin: germline. Affected: yes. Study: VKGL Data-share Consensus. Not counted in ClinVar's aggregate classification.